The following is an entry in ClinVar:

ClinVar aggregate classification (germline): Uncertain significance. Review status: criteria provided, multiple submitters, no conflicts (2 of 4 stars). 3 submissions from 3 submitters: Uncertain significance (3). Last evaluated 2022-10-11.

Conditions:
Inborn genetic diseases. Identifiers: MedGen C0950123, MeSH D030342.
Developmental and epileptic encephalopathy, 51 (DEE51). Also called: Epileptic encephalopathy, early infantile, 51. Identifiers: MedGen C4479208, MONDO:0015025, OMIM 617339.

Allele frequency attached by ClinVar (database versions not stated): gnomAD exomes below 0.00001 and 0.00002; gnomAD 0.00001; TOPMed 0.00001; ExAC 0.00002.
gnomAD v4.1: 16 of 1,612,578 alleles (0.00099%); highest among the groups gnomAD compares: East Asian, 0.0045%; no homozygotes.

Submissions (3):

Ambry Genetics
Classification: Uncertain significance for Inborn genetic diseases. Last evaluated: 2022-10-11. Review status: criteria provided, single submitter. Criteria: Ambry Variant Classification Scheme 2023. Collection method: clinical testing. Allele origin: germline.
Comment: The p.A141T variant (also known as c.421G>A), located in coding exon 4 of the MDH2 gene, results from a G to A substitution at nucleotide position 421. The alanine at codon 141 is replaced by threonine, an amino acid with similar properties. This amino acid position is conserved. In addition, this alteration is predicted to be tolerated by in silico analysis. Since supporting evidence is limited at this time, the clinical significance of this alteration remains unclear.

Labcorp Genetics (formerly Invitae), Labcorp
Classification: Uncertain significance. Last evaluated: 2022-08-16. Review status: criteria provided, single submitter. Criteria: Invitae Variant Classification Sherloc (09022015). Collection method: clinical testing. Allele origin: germline.
Comment: This sequence change replaces alanine, which is neutral and non-polar, with threonine, which is neutral and polar, at codon 141 of the MDH2 protein (p.Ala141Thr). This variant is present in population databases (rs782204186, gnomAD 0.01%). This variant has not been reported in the literature in individuals affected with MDH2-related conditions. ClinVar contains an entry for this variant (Variation ID: 1030035). Algorithms developed to predict the effect of missense changes on protein structure and function (SIFT, PolyPhen-2, Align-GVGD) all suggest that this variant is likely to be tolerated. In summary, the available evidence is currently insufficient to determine the role of this variant in disease. Therefore, it has been classified as a Variant of Uncertain Significance.

Baylor Genetics
Classification: Uncertain significance for Developmental and epileptic encephalopathy, 51. Last evaluated: 2019-03-27. Review status: criteria provided, single submitter. Criteria: ACMG Guidelines, 2015. Collection method: clinical testing. Allele origin: maternal. Affected: yes.
Comment: This variant was determined to be of uncertain significance according to ACMG Guidelines, 2015 [PMID:25741868].

NM_005918.4(MDH2):c.421G>A (p.Ala141Thr)

Gene: MDH2 (malate dehydrogenase 2; plus strand). Cytogenetic location: 7q11.23.
Variant type: single nucleotide variant.
Coding change: c.421G>A on transcript NM_005918.4 (MANE Select); coding-DNA position 421, G replaced by A.
Protein change: p.Ala141Thr; replaces alanine 141 with threonine.
Molecular consequence: missense variant.
Genome position (GRCh38, 1-based): chr7:76,058,070, G>A. VCF-style: chr7-76058070-G-A. GRCh37 (hg19) VCF-style: chr7-75687388-G-A.
Other names: c.421G>A, p.Ala141Thr (NM_001282403.2); c.100G>A, p.Ala34Thr (NM_001282404.2); short protein forms A141T, A34T.
Identifiers: ClinVar variation 1030035 (VCV001030035.6), dbSNP rs782204186, ClinGen allele CA4305525.